The following is an entry in ClinVar:

NM_022124.6(CDH23):c.7900G>A (p.Glu2634Lys)

Genes: CDH23 (cadherin related 23; plus strand), LOC111982869 (Sharpr-MPRA regulatory region 2121; plus strand). Cytogenetic location: 10q22.1.
Variant type: single nucleotide variant.
Coding change: c.7900G>A on transcript NM_022124.6 (MANE Select); coding-DNA position 7900, G replaced by A.
Protein change: p.Glu2634Lys; replaces glutamic acid 2634 with lysine.
Molecular consequence: missense variant.
Genome position (GRCh38, 1-based): chr10:71,805,833, G>A. VCF-style: chr10-71805833-G-A. GRCh37 (hg19) VCF-style: chr10-73565590-G-A.
Other names: c.1180G>A, p.Glu394Lys (NM_001171933.1, NM_001171934.1); short protein forms E2634K, E394K.
Identifiers: ClinVar variation 1441066 (VCV001441066.5), dbSNP rs755525347, ClinGen allele CA377161918.
Genomic context (GRCh38, chr10:71,805,833, plus strand): 5'-GTCCAGGAGCCTTCCTCCCCATGCTCCCCACAGGAGATCCCGCTGCGCTCCAACGTGTAC[G>A]AGGTCTACGCCACGGACAAGGATGAGGGCCTCAACGGGGCGGTGCGCTACAGCTTCCTGA-3'
Protein context (NP_071407.4, residues 2624-2644): EEIPLRSNVY[Glu2634Lys]VYATDKDEGL

ClinVar aggregate classification (germline): Uncertain significance (1 of 4 stars; one submission).

Allele frequency attached by ClinVar (database versions not stated): gnomAD 0.00001.
gnomAD v4.1: 10 of 1,613,574 alleles (0.00062%); highest among the groups gnomAD compares: Non-Finnish European, 0.00085%; no homozygotes.

Submission:

Labcorp Genetics (formerly Invitae), Labcorp
Classification: Uncertain significance. Last evaluated: 2024-11-11. Review status: criteria provided, single submitter. Criteria: Invitae Variant Classification Sherloc (09022015). Collection method: clinical testing. Allele origin: germline.
Comment: This sequence change replaces glutamic acid, which is acidic and polar, with lysine, which is basic and polar, at codon 2634 of the CDH23 protein (p.Glu2634Lys). This variant is not present in population databases (gnomAD no frequency). This variant has not been reported in the literature in individuals affected with CDH23-related conditions. ClinVar contains an entry for this variant (Variation ID: 1441066). Invitae Evidence Modeling of protein sequence and biophysical properties (such as structural, functional, and spatial information, amino acid conservation, physicochemical variation, residue mobility, and thermodynamic stability) has been performed for this missense variant. However, the output from this modeling did not meet the statistical confidence thresholds required to predict the impact of this variant on CDH23 protein function. In summary, the available evidence is currently insufficient to determine the role of this variant in disease. Therefore, it has been classified as a Variant of Uncertain Significance.